The following is an entry in ClinVar:

ClinVar aggregate classification (germline): Uncertain significance (1 of 4 stars; one submission).

Conditions:
Early-infantile DEE. Also called: Early infantile epileptic encephalopathy; Ohtahara syndrome; Early infantile epileptic encephalopathy with suppression bursts. Identifiers: Orphanet 1934, MedGen C0393706, MONDO:0800491.

Allele frequency attached by ClinVar (database versions not stated): ExAC 0.00001; gnomAD 0.00001; gnomAD exomes 0.00001; TOPMed 0.00001.

Submission:

Labcorp Genetics (formerly Invitae), Labcorp
Classification: Uncertain significance for Early-infantile DEE. Last evaluated: 2024-01-29. Review status: criteria provided, single submitter. Criteria: Invitae Variant Classification Sherloc (09022015). Collection method: clinical testing. Allele origin: germline.
Comment: This sequence change replaces glutamic acid, which is acidic and polar, with lysine, which is basic and polar, at codon 464 of the SPTAN1 protein (p.Glu464Lys). This variant is present in population databases (rs777153325, gnomAD 0.003%). This variant has not been reported in the literature in individuals affected with SPTAN1-related conditions. ClinVar contains an entry for this variant (Variation ID: 2193656). Advanced modeling of protein sequence and biophysical properties (such as structural, functional, and spatial information, amino acid conservation, physicochemical variation, residue mobility, and thermodynamic stability) has been performed at Invitae for this missense variant, however the output from this modeling did not meet the statistical confidence thresholds required to predict the impact of this variant on SPTAN1 protein function. In summary, the available evidence is currently insufficient to determine the role of this variant in disease. Therefore, it has been classified as a Variant of Uncertain Significance.

NM_001130438.3(SPTAN1):c.1390G>A (p.Glu464Lys)

Gene: SPTAN1 (spectrin alpha, non-erythrocytic 1; plus strand). Cytogenetic location: 9q34.11.
Variant type: single nucleotide variant.
Coding change: c.1390G>A on transcript NM_001130438.3 (MANE Select); coding-DNA position 1390, G replaced by A.
Protein change: p.Glu464Lys; replaces glutamic acid 464 with lysine.
Molecular consequence: missense variant.
Genome position (GRCh38, 1-based): chr9:128,580,988, G>A. VCF-style: chr9-128580988-G-A. GRCh37 (hg19) VCF-style: chr9-131343267-G-A.
Other names: c.1390G>A, p.Glu464Lys (NM_001195532.2, NM_001363759.2, NM_001363765.2 and 5 more transcripts); c.1426G>A, p.Glu476Lys (NM_001375312.2, NM_001375318.1); short protein forms E464K, E476K.
Identifiers: ClinVar variation 2193656 (VCV002193656.4), dbSNP rs777153325, ClinGen allele CA5264381.
Genomic context (GRCh38, chr9:128,580,988, plus strand): 5'-GTCCTTTCCGAGGAGAGAGCGGCGCTGCTGGAGCTGTGGGAGCTGCGCAGGCAGCAGTAC[G>A]AGCAGTGCATGGACCTGCAGCTCTTCTACCGGGACACTGAGCAGGTGGACAACTGGATGA-3'
Protein context (NP_001123910.1, residues 454-474): ELWELRRQQY[Glu464Lys]QCMDLQLFYR